The following is an entry in ClinVar:

ClinVar aggregate classification (germline): Likely benign (1 of 4 stars; one submission).

Allele frequency attached by ClinVar (database versions not stated): 1000 Genomes Project 0.00120; 1000 Genomes Project 30x 0.00125; TOPMed 0.00326; gnomAD 0.00377; ExAC 0.00399; ESP Exome Variant Server 0.00454.
gnomAD v4.1: 8,058 of 1,602,896 alleles (0.5%); highest among the groups gnomAD compares: Non-Finnish European, 0.63%; 42 homozygotes.

Submission:

CeGaT Center for Human Genetics Tuebingen
Classification: Likely benign. Last evaluated: 2023-01-01. Review status: criteria provided, single submitter. Criteria: CeGaT Center For Human Genetics Tuebingen Variant Classification Criteria Version 2. Collection method: clinical testing. Allele origin: germline. Affected: yes. Observed: 1 variant allele.
Comment: ULK2: BP4, BP7, BS2

NM_014683.4(ULK2):c.2340C>T (p.Ser780=)

Gene: ULK2 (unc-51 like autophagy activating kinase 2; minus strand). Cytogenetic location: 17p11.2.
Variant type: single nucleotide variant.
Coding change: c.2340C>T on transcript NM_014683.4 (MANE Select); coding-DNA position 2340, C replaced by T.
Protein change: p.Ser780=; no amino-acid change (serine 780 retained).
Molecular consequence: synonymous variant.
Genome position (GRCh38, 1-based): chr17:19,783,817, G>A on the plus strand (C>T on the coding strand, the complement: ULK2 is on the minus strand). VCF-style: chr17-19783817-G-A. GRCh37 (hg19) VCF-style: chr17-19687130-G-A.
Other names: c.2340C>T, p.Ser780= (NM_001142610.2).
Identifiers: ClinVar variation 2647564 (VCV002647564.24), dbSNP rs56181782, ClinGen allele CA8444849.